The following is an entry in ClinVar:

ClinVar aggregate classification (germline): Uncertain significance (1 of 4 stars; one submission).

Conditions:
Hyperammonemia, type III (NAGSD). Also called: Hyperammonemia due to N-acetylglutamate synthase deficiency. Identifiers: Orphanet 927, MedGen C0268543, MONDO:0009377, OMIM 237310.

Allele frequency attached by ClinVar (database versions not stated): gnomAD 0.00001; gnomAD exomes 0.00002; ExAC 0.00003.

Submission:

Labcorp Genetics (formerly Invitae), Labcorp
Classification: Uncertain significance for Hyperammonemia, type III. Last evaluated: 2022-10-17. Review status: criteria provided, single submitter. Criteria: Invitae Variant Classification Sherloc (09022015). Collection method: clinical testing. Allele origin: germline.
Comment: In summary, the available evidence is currently insufficient to determine the role of this variant in disease. Therefore, it has been classified as a Variant of Uncertain Significance. Experimental studies and prediction algorithms are not available or were not evaluated, and the functional significance of this variant is currently unknown. This variant has not been reported in the literature in individuals affected with NAGS-related conditions. The frequency data for this variant in the population databases is considered unreliable, as metrics indicate poor data quality at this position in the gnomAD database. This sequence change affects the initiator methionine of the NAGS mRNA. The next in-frame methionine is located at codon 6.

NM_153006.3(NAGS):c.2T>C (p.Met1Thr)

Gene: NAGS (N-acetylglutamate synthase; plus strand). Cytogenetic location: 17q21.31.
Variant type: single nucleotide variant.
Coding change: c.2T>C on transcript NM_153006.3 (MANE Select); coding-DNA position 2, T replaced by C.
Protein change: p.Met1Thr; changes the start codon (methionine 1).
Molecular consequence: missense variant, initiator codon variant.
Genome position (GRCh38, 1-based): chr17:44,004,665, T>C. VCF-style: chr17-44004665-T-C. GRCh37 (hg19) VCF-style: chr17-42082033-T-C.
Other names: short protein forms M1T.
Identifiers: ClinVar variation 2174340 (VCV002174340.5), dbSNP rs774476674, ClinGen allele CA8595075.